The following is an entry in ClinVar:

ClinVar aggregate classification (germline): Uncertain significance (1 of 4 stars; one submission).

Conditions:
Hereditary motor and sensory neuropathy, Okinawa type (HMSNO). Also called: HEREDITARY MOTOR AND SENSORY NEUROPATHY, PROXIMAL TYPE. Identifiers: Orphanet 90117, MedGen C1858338, MONDO:0011468, OMIM 604484.
Hereditary spastic paraplegia 57. Also called: Spastic paraplegia 57, autosomal recessive. Identifiers: Orphanet 431329, MedGen C3714897, MONDO:0014295, OMIM 615658.

Submission:

Labcorp Genetics (formerly Invitae), Labcorp
Classification: Uncertain significance for Hereditary motor and sensory neuropathy, Okinawa type; Hereditary spastic paraplegia 57. Last evaluated: 2025-12-15. Review status: criteria provided, single submitter. Criteria: Invitae Variant Classification Sherloc (09022015). Collection method: clinical testing. Allele origin: germline.
Comment: This sequence change replaces tyrosine, which is neutral and polar, with cysteine, which is neutral and slightly polar, at codon 33 of the TFG protein (p.Tyr33Cys). This variant is not present in population databases (gnomAD no frequency). This variant has not been reported in the literature in individuals affected with TFG-related conditions. ClinVar contains an entry for this variant (Variation ID: 581697). Invitae Evidence Modeling of protein sequence and biophysical properties (such as structural, functional, and spatial information, amino acid conservation, physicochemical variation, residue mobility, and thermodynamic stability) indicates that this missense variant is expected to disrupt TFG protein function with a positive predictive value of 80%. In summary, the available evidence is currently insufficient to determine the role of this variant in disease. Therefore, it has been classified as a Variant of Uncertain Significance.

NM_006070.6(TFG):c.98A>G (p.Tyr33Cys)

Gene: TFG (trafficking from ER to golgi regulator; plus strand). Cytogenetic location: 3q12.2.
Variant type: single nucleotide variant.
Coding change: c.98A>G on transcript NM_006070.6 (MANE Select); coding-DNA position 98, A replaced by G.
Protein change: p.Tyr33Cys; replaces tyrosine 33 with cysteine.
Molecular consequence: missense variant.
Genome position (GRCh38, 1-based): chr3:100,713,783, A>G. VCF-style: chr3-100713783-A-G. GRCh37 (hg19) VCF-style: chr3-100432627-A-G.
Other names: c.98A>G, p.Tyr33Cys (NM_001007565.2, NM_001195478.2, NM_001195479.2); short protein forms Y33C.
Identifiers: ClinVar variation 581697 (VCV000581697.8), dbSNP rs763523148, ClinGen allele CA353836952.